The following is an entry in ClinVar:

NM_000548.5(TSC2):c.4530T>G (p.Phe1510Leu)

Gene: TSC2 (TSC complex subunit 2; plus strand). Cytogenetic location: 16p13.3.
Variant type: single nucleotide variant.
Coding change: c.4530T>G on transcript NM_000548.5 (MANE Select); coding-DNA position 4530, T replaced by G.
Protein change: p.Phe1510Leu; replaces phenylalanine 1510 with leucine.
Molecular consequence: missense variant. On other transcripts: non-coding transcript variant (5).
Genome position (GRCh38, 1-based): chr16:2,084,987, T>G. VCF-style: chr16-2084987-T-G. GRCh37 (hg19) VCF-style: chr16-2134988-T-G.
Other names: c.4329T>G, p.Phe1443Leu (NM_001077183.3); c.4461T>G, p.Phe1487Leu (NM_001114382.3); c.4221T>G, p.Phe1407Leu (NM_001318827.2); c.4185T>G, p.Phe1395Leu (NM_001318829.2); c.3798T>G, p.Phe1266Leu (NM_001318831.2); c.4362T>G, p.Phe1454Leu (NM_001318832.2); c.4332T>G, p.Phe1444Leu (NM_001363528.2); c.4398T>G, p.Phe1466Leu (NM_001370404.1); and 26 more; short protein forms F1039L, F1424L, F1440L, F1443L, F1444L, F1474L, F1484L, F1266L.
Identifiers: ClinVar variation 2846488 (VCV002846488.4), dbSNP rs763126313, ClinGen allele CA051524.
Genomic context (GRCh38, chr16:2,084,987, plus strand): 5'-GCCCACCATCCCCTCCCTGTGCAGTTTCGTGTTCCTGCAGCTCTACCATTCCCCCTTCTT[T>G]GGCGACGAGTCAAACAAGCCAATCCTGCTGCCCAATGAGGTAGGCGTGGCCTCCCTCTCC-3'
Protein context (NP_000539.2, residues 1500-1520): VFLQLYHSPF[Phe1510Leu]GDESNKPILL

ClinVar aggregate classification (germline): Uncertain significance. Review status: criteria provided, multiple submitters, no conflicts (2 of 4 stars). 2 submissions from 2 submitters: Uncertain significance (2). Last evaluated 2026-07-13.

Conditions:
Tuberous sclerosis 2 (TSC2). Identifiers: Orphanet 805, MedGen C1860707, MONDO:0013199, OMIM 613254.
Hereditary cancer-predisposing syndrome. Also called: Hereditary Cancer Syndrome; Hereditary neoplastic syndrome; Neoplastic Syndromes, Hereditary; Tumor predisposition. Identifiers: Orphanet 140162, MedGen C0027672, MeSH D009386, MONDO:0015356.

Allele frequency attached by ClinVar (database versions not stated): ExAC 0.00003.

Submissions (2):

Ambry Genetics
Classification: Uncertain significance for Hereditary cancer-predisposing syndrome. Last evaluated: 2026-07-13. Review status: criteria provided, single submitter. Criteria: Ambry Variant Classification Scheme 2023. Collection method: clinical testing. Allele origin: germline.
Comment: The p.F1510L variant (also known as c.4530T>G), located in coding exon 34 of the TSC2 gene, results from a T to G substitution at nucleotide position 4530. The phenylalanine at codon 1510 is replaced by leucine, an amino acid with highly similar properties. This amino acid position is conserved. In addition, the in silico prediction for this alteration is inconclusive. Based on the available evidence, the clinical significance of this variant remains unclear.

Labcorp Genetics (formerly Invitae), Labcorp
Classification: Uncertain significance for Tuberous sclerosis 2. Last evaluated: 2023-12-17. Review status: criteria provided, single submitter. Criteria: Invitae Variant Classification Sherloc (09022015). Collection method: clinical testing. Allele origin: germline.
Comment: This sequence change replaces phenylalanine, which is neutral and non-polar, with leucine, which is neutral and non-polar, at codon 1510 of the TSC2 protein (p.Phe1510Leu). This variant is not present in population databases (gnomAD no frequency). This variant has not been reported in the literature in individuals affected with TSC2-related conditions. Advanced modeling of protein sequence and biophysical properties (such as structural, functional, and spatial information, amino acid conservation, physicochemical variation, residue mobility, and thermodynamic stability) performed at Invitae indicates that this missense variant is not expected to disrupt TSC2 protein function with a negative predictive value of 95%. In summary, the available evidence is currently insufficient to determine the role of this variant in disease. Therefore, it has been classified as a Variant of Uncertain Significance.